The following is an entry in ClinVar:

ClinVar aggregate classification (germline): Uncertain significance (1 of 4 stars; one submission).

Submission:

GeneDx
Classification: Uncertain significance. Last evaluated: 2022-09-06. Review status: criteria provided, single submitter. Criteria: GeneDx Variant Classification Process June 2021. Collection method: clinical testing. Allele origin: germline. Affected: yes.
Comment: Not observed at significant frequency in large population cohorts (gnomAD); In silico analysis supports that this missense variant has a deleterious effect on protein structure/function; Has not been previously published as pathogenic or benign to our knowledge

NM_003238.6(TGFB2):c.1037G>T (p.Cys346Phe)

Gene: TGFB2 (transforming growth factor beta 2; plus strand). Cytogenetic location: 1q41.
Variant type: single nucleotide variant.
Coding change: c.1037G>T on transcript NM_003238.6 (MANE Select); coding-DNA position 1037, G replaced by T.
Protein change: p.Cys346Phe; replaces cysteine 346 with phenylalanine.
Molecular consequence: missense variant. On other transcripts: non-coding transcript variant (2).
Genome position (GRCh38, 1-based): chr1:218,437,447, G>T. VCF-style: chr1-218437447-G-T. GRCh37 (hg19) VCF-style: chr1-218610789-G-T.
Other names: c.1121G>T, p.Cys374Phe (NM_001135599.4); short protein forms C346F, C374F.
Identifiers: ClinVar variation 1700816 (VCV001700816.3), dbSNP rs2102630125, ClinGen allele CA344727625.